The following is an entry in ClinVar:

ClinVar aggregate classification (germline): Benign/Likely benign. Review status: criteria provided, multiple submitters, no conflicts (2 of 4 stars). 5 submissions from 5 submitters: Benign (2); Likely benign (2). 1 of the submissions does not count toward it. Last evaluated 2026-05-01.

Conditions:
Inborn genetic diseases. Identifiers: MedGen C0950123, MeSH D030342.
EXPH5-related disorder. Also called: EXPH5-related condition.

Allele frequency attached by ClinVar (database versions not stated): gnomAD 0.00048 and 0.00063; ESP Exome Variant Server 0.00077; gnomAD exomes 0.00081 and 0.00102; 1000 Genomes Project 0.00120; 1000 Genomes Project 30x 0.00125.
gnomAD v4.1: 1,297 of 1,614,126 alleles (0.08%); highest among the groups gnomAD compares: South Asian, 0.35%; 10 homozygotes.

Submissions (5):

CeGaT Center for Human Genetics Tuebingen
Classification: Likely benign. Last evaluated: 2026-05-01. Review status: criteria provided, single submitter. Criteria: CeGaT Center For Human Genetics Tuebingen Variant Classification Criteria Version 2. Collection method: clinical testing. Allele origin: germline. Affected: yes. Observed: 2 variant alleles.
Comment: EXPH5: BP4, BS1

Labcorp Genetics (formerly Invitae), Labcorp
Classification: Benign. Last evaluated: 2025-12-08. Review status: criteria provided, single submitter. Criteria: Invitae Variant Classification Sherloc (09022015). Collection method: clinical testing. Allele origin: germline.

Ambry Genetics
Classification: Likely benign for Inborn genetic diseases. Last evaluated: 2024-08-21. Review status: criteria provided, single submitter. Criteria: Ambry Variant Classification Scheme 2023. Collection method: clinical testing. Allele origin: germline.

Breakthrough Genomics
Classification: Benign. Review status: criteria provided, single submitter. Criteria: ACMG Guidelines, 2015. Collection method: not provided. Allele origin: germline. Inheritance: Autosomal recessive inheritance. Affected: yes.

PreventionGenetics, part of Exact Sciences
Classification: Likely benign for EXPH5-related condition. Last evaluated: 2023-12-26. Review status: no assertion criteria provided. Collection method: clinical testing. Allele origin: germline. Not counted in ClinVar's aggregate classification.
Comment: This variant is classified as likely benign based on ACMG/AMP sequence variant interpretation guidelines (Richards et al. 2015 PMID: 25741868, with internal and published modifications).

NM_015065.3(EXPH5):c.5213C>T (p.Thr1738Ile)

Gene: EXPH5 (exophilin 5; minus strand). Cytogenetic location: 11q22.3.
Variant type: single nucleotide variant.
Coding change: c.5213C>T on transcript NM_015065.3 (MANE Select); coding-DNA position 5213, C replaced by T.
Protein change: p.Thr1738Ile; replaces threonine 1738 with isoleucine.
Molecular consequence: missense variant.
Genome position (GRCh38, 1-based): chr11:108,510,294, G>A on the plus strand (C>T on the coding strand, the complement: EXPH5 is on the minus strand). VCF-style: chr11-108510294-G-A. GRCh37 (hg19) VCF-style: chr11-108381021-G-A.
Other names: c.4985C>T, p.Thr1662Ile (NM_001144763.2); c.4745C>T, p.Thr1582Ile (NM_001144764.2); c.4649C>T, p.Thr1550Ile (NM_001144765.2); c.5192C>T, p.Thr1731Ile (NM_001308019.2); c.5213C>T (NM_015065.2); short protein forms T1550I, T1582I, T1662I, T1731I, T1738I.
Identifiers: ClinVar variation 1535935 (VCV001535935.32), dbSNP rs143520508, ClinGen allele CA6267366.